The following is an entry in ClinVar:

ClinVar aggregate classification (germline): Uncertain significance. Review status: criteria provided, multiple submitters, no conflicts (2 of 4 stars). 3 submissions from 3 submitters: Uncertain significance (3). Last evaluated 2025-02-05.

Conditions:
Inborn genetic diseases. Identifiers: MedGen C0950123, MeSH D030342.

Allele frequency attached by ClinVar (database versions not stated): gnomAD 0.00001; ExAC 0.00003; ESP Exome Variant Server 0.00008.

Submissions (3):

Ambry Genetics
Classification: Uncertain significance for Inborn genetic diseases. Last evaluated: 2025-02-05. Review status: criteria provided, single submitter. Criteria: Ambry Variant Classification Scheme 2023. Collection method: clinical testing. Allele origin: germline.

Women's Health and Genetics/Laboratory Corporation of America, LabCorp
Classification: Uncertain significance. Last evaluated: 2024-12-10. Review status: criteria provided, single submitter. Criteria: LabCorp Variant Classification Summary - May 2015. Collection method: clinical testing. Allele origin: germline.
Comment: Variant summary: GP1BA c.1904G>A (p.Arg635His) results in a non-conservative amino acid change in the encoded protein sequence. Three of four in-silico tools predict a benign effect of the variant on protein function. The variant allele was found at a frequency of 2.4e-05 in 248630 control chromosomes. The available data on variant occurrences in the general population are insufficient to allow any conclusion about variant significance. To our knowledge, no occurrence of c.1904G>A in individuals affected with Bernard-Soulier Syndrome, Type A2, Autosomal Dominant and no experimental evidence demonstrating its impact on protein function have been reported. ClinVar contains an entry for this variant (Variation ID: 1804320). Based on the evidence outlined above, the variant was classified as uncertain significance.

GeneDx
Classification: Uncertain significance. Last evaluated: 2022-06-15. Review status: criteria provided, single submitter. Criteria: GeneDx Variant Classification Process June 2021. Collection method: clinical testing. Allele origin: germline. Affected: yes.
Comment: In silico analysis supports that this missense variant does not alter protein structure/function; Has not been previously published as pathogenic or benign to our knowledge

NM_000173.7(GP1BA):c.1904G>A (p.Arg635His)

Genes: GP1BA (glycoprotein Ib platelet subunit alpha; plus strand), LOC130060044 (ATAC-STARR-seq lymphoblastoid active region 11554; plus strand). Cytogenetic location: 17p13.2.
Variant type: single nucleotide variant.
Coding change: c.1904G>A on transcript NM_000173.7 (MANE Select); coding-DNA position 1904, G replaced by A.
Protein change: p.Arg635His; replaces arginine 635 with histidine.
Molecular consequence: missense variant.
Genome position (GRCh38, 1-based): chr17:4,934,508, G>A. VCF-style: chr17-4934508-G-A. GRCh37 (hg19) VCF-style: chr17-4837803-G-A.
Other names: short protein forms R635H.
Identifiers: ClinVar variation 1804320 (VCV001804320.3), dbSNP rs199641819, ClinGen allele CA8315105.